The following is an entry in ClinVar:

NM_004655.4(AXIN2):c.895G>T (p.Asp299Tyr)

Gene: AXIN2 (axin 2; minus strand). Cytogenetic location: 17q24.1.
Variant type: single nucleotide variant.
Coding change: c.895G>T on transcript NM_004655.4 (MANE Select); coding-DNA position 895, G replaced by T.
Protein change: p.Asp299Tyr; replaces aspartic acid 299 with tyrosine.
Molecular consequence: missense variant.
Genome position (GRCh38, 1-based): chr17:65,549,581, C>A on the plus strand (G>T on the coding strand, the complement: AXIN2 is on the minus strand). VCF-style: chr17-65549581-C-A. GRCh37 (hg19) VCF-style: chr17-63545699-C-A.
Other names: c.895G>T, p.Asp299Tyr (NM_001363813.1); short protein forms D299Y.
Identifiers: ClinVar variation 1765258 (VCV001765258.2), dbSNP rs773351166, ClinGen allele CA400679550.

ClinVar aggregate classification (germline): Uncertain significance (1 of 4 stars; one submission).

Conditions:
Hereditary cancer-predisposing syndrome. Also called: Neoplastic Syndromes, Hereditary; Tumor predisposition; Hereditary Cancer Syndrome; Hereditary neoplastic syndrome. Identifiers: Orphanet 140162, MedGen C0027672, MeSH D009386, MONDO:0015356.

Submission:

Ambry Genetics
Classification: Uncertain significance for Hereditary cancer-predisposing syndrome. Last evaluated: 2022-05-10. Review status: criteria provided, single submitter. Criteria: Ambry Variant Classification Scheme 2023. Collection method: clinical testing. Allele origin: germline.
Comment: The p.D299Y variant (also known as c.895G>T), located in coding exon 2 of the AXIN2 gene, results from a G to T substitution at nucleotide position 895. The aspartic acid at codon 299 is replaced by tyrosine, an amino acid with highly dissimilar properties. This amino acid position is conserved. In addition, this alteration is predicted to be deleterious by in silico analysis. Since supporting evidence is limited at this time, the clinical significance of this alteration remains unclear.